The following is an entry in ClinVar:

ClinVar aggregate classification (germline): Likely benign. Review status: criteria provided, multiple submitters, no conflicts (2 of 4 stars). 4 submissions from 4 submitters: Likely benign (4). Last evaluated 2025-12-15.

Conditions:
Arterial tortuosity syndrome (ATORS). Identifiers: Orphanet 3342, MedGen C1859726, MONDO:0008818, OMIM 208050.
Familial thoracic aortic aneurysm and aortic dissection (TAAD). Also called: Thoracic aortic aneurysms and dissections. Identifiers: Orphanet 91387, MedGen C4707243, MONDO:0019625.

Allele frequency attached by ClinVar (database versions not stated): gnomAD 0.00001; gnomAD exomes 0.00002 and 0.00003; TOPMed 0.00003; ExAC 0.00004; ESP Exome Variant Server 0.00015.

Submissions (4):

Labcorp Genetics (formerly Invitae), Labcorp
Classification: Likely benign for Arterial tortuosity syndrome. Last evaluated: 2025-12-15. Review status: criteria provided, single submitter. Criteria: Invitae Variant Classification Sherloc (09022015). Collection method: clinical testing. Allele origin: germline.

Ambry Genetics
Classification: Likely benign for Familial thoracic aortic aneurysm and aortic dissection. Last evaluated: 2023-04-07. Review status: criteria provided, single submitter. Criteria: Ambry Variant Classification Scheme 2023. Collection method: clinical testing. Allele origin: germline.

GeneDx
Classification: Likely benign. Last evaluated: 2021-10-18. Review status: criteria provided, single submitter. Criteria: GeneDx Variant Classification Process June 2021. Collection method: clinical testing. Allele origin: germline. Affected: yes.
Comment: This variant is associated with the following publications: (PMID: 26582918)

ARUP Laboratories, Molecular Genetics and Genomics, ARUP Laboratories
Classification: Likely benign. Last evaluated: 2017-02-22. Review status: criteria provided, single submitter. Criteria: ARUP Molecular Germline Variant Investigation Process. Collection method: clinical testing. Allele origin: germline.

NM_030777.4(SLC2A10):c.180C>T (p.Leu60=)

Gene: SLC2A10 (solute carrier family 2 member 10; plus strand). Cytogenetic location: 20q13.12.
Variant type: single nucleotide variant.
Coding change: c.180C>T on transcript NM_030777.4 (MANE Select); coding-DNA position 180, C replaced by T.
Protein change: p.Leu60=; no amino-acid change (leucine 60 retained).
Molecular consequence: synonymous variant.
Genome position (GRCh38, 1-based): chr20:46,725,216, C>T. VCF-style: chr20-46725216-C-T. GRCh37 (hg19) VCF-style: chr20-45353855-C-T.
Identifiers: ClinVar variation 440279 (VCV000440279.20), dbSNP rs371988251, ClinGen allele CA9891926.